The following is an entry in ClinVar:

ClinVar aggregate classification (germline): Uncertain significance. Review status: criteria provided, multiple submitters, no conflicts (2 of 4 stars). 2 submissions from 2 submitters: Uncertain significance (2). Last evaluated 2026-07-06.

Conditions:
Oligodontia-cancer predisposition syndrome. Also called: TOOTH AGENESIS-COLORECTAL CANCER SYNDROME. Identifiers: Orphanet 300576, MedGen C1837750, MONDO:0012075, OMIM 608615. Disease mechanism: loss of function.
Hereditary cancer-predisposing syndrome. Also called: Tumor predisposition; Hereditary Cancer Syndrome; Hereditary neoplastic syndrome; Neoplastic Syndromes, Hereditary. Identifiers: Orphanet 140162, MedGen C0027672, MeSH D009386, MONDO:0015356.

Submissions (2):

Ambry Genetics
Classification: Uncertain significance for Hereditary cancer-predisposing syndrome. Last evaluated: 2026-07-06. Review status: criteria provided, single submitter. Criteria: Ambry Variant Classification Scheme 2023. Collection method: clinical testing. Allele origin: germline.
Comment: The p.S428Y variant (also known as c.1283C>A), located in coding exon 5 of the AXIN2 gene, results from a C to A substitution at nucleotide position 1283. The serine at codon 428 is replaced by tyrosine, an amino acid with dissimilar properties. This amino acid position is conserved. In addition, this alteration is predicted to be tolerated by in silico analysis. Based on the available evidence, the clinical significance of this variant remains unclear.

Labcorp Genetics (formerly Invitae), Labcorp
Classification: Uncertain significance for Oligodontia-cancer predisposition syndrome. Last evaluated: 2020-03-18. Review status: criteria provided, single submitter. Criteria: Invitae Variant Classification Sherloc (09022015). Collection method: clinical testing. Allele origin: germline.
Comment: In summary, the available evidence is currently insufficient to determine the role of this variant in disease. Therefore, it has been classified as a Variant of Uncertain Significance. Algorithms developed to predict the effect of missense changes on protein structure and function (SIFT, PolyPhen-2, Align-GVGD) all suggest that this variant is likely to be tolerated, but these predictions have not been confirmed by published functional studies and their clinical significance is uncertain. This variant has not been reported in the literature in individuals with AXIN2-related conditions. This variant is not present in population databases (ExAC no frequency). This sequence change replaces serine with tyrosine at codon 428 of the AXIN2 protein (p.Ser428Tyr). The serine residue is moderately conserved and there is a large physicochemical difference between serine and tyrosine.

NM_004655.4(AXIN2):c.1283C>A (p.Ser428Tyr)

Gene: AXIN2 (axin 2; minus strand). Cytogenetic location: 17q24.1.
Variant type: single nucleotide variant.
Coding change: c.1283C>A on transcript NM_004655.4 (MANE Select); coding-DNA position 1283, C replaced by A.
Protein change: p.Ser428Tyr; replaces serine 428 with tyrosine.
Molecular consequence: missense variant.
Genome position (GRCh38, 1-based): chr17:65,537,753, G>T on the plus strand (C>A on the coding strand, the complement: AXIN2 is on the minus strand). VCF-style: chr17-65537753-G-T. GRCh37 (hg19) VCF-style: chr17-63533871-G-T.
Other names: c.1283C>A (NM_004655.3); c.1283C>A, p.Ser428Tyr (NM_001363813.1); short protein forms S428Y.
Identifiers: ClinVar variation 1037969 (VCV001037969.9), dbSNP rs1426652719, ClinGen allele CA400677821.